The following is an entry in ClinVar:

NM_206933.4(USH2A):c.1327A>C (p.Asn443His)

Gene: USH2A (usherin; minus strand). Cytogenetic location: 1q41.
Variant type: single nucleotide variant.
Coding change: c.1327A>C on transcript NM_206933.4 (MANE Select); coding-DNA position 1327, A replaced by C.
Protein change: p.Asn443His; replaces asparagine 443 with histidine.
Molecular consequence: missense variant.
Genome position (GRCh38, 1-based): chr1:216,324,169, T>G on the plus strand (A>C on the coding strand, the complement: USH2A is on the minus strand). VCF-style: chr1-216324169-T-G. GRCh37 (hg19) VCF-style: chr1-216497511-T-G.
Other names: c.1327A>C (NM_206933.2); c.1327A>C, p.Asn443His (NM_007123.6); short protein forms N443H.
Identifiers: ClinVar variation 991455 (VCV000991455.7), dbSNP rs775075026, ClinGen allele CA1396554.

ClinVar aggregate classification (germline): Uncertain significance. Review status: criteria provided, multiple submitters, no conflicts (2 of 4 stars). 4 submissions from 4 submitters: Uncertain significance (3). 1 of the submissions does not count toward it. Last evaluated 2025-06-26.

Conditions:
Usher syndrome type 2A. Also called: USHER SYNDROME, TYPE IIA; RETINAL DISEASE IN USHER SYNDROME TYPE IIA, MODIFIER OF. Identifiers: Orphanet 231178, Orphanet 886, MedGen C1848634, MONDO:0010169, OMIM 276901.

Allele frequency attached by ClinVar (database versions not stated): gnomAD exomes below 0.00001 and 0.00001; TOPMed 0.00001; ExAC 0.00001; gnomAD 0.00001.
gnomAD v4.1: 5 of 1,612,708 alleles (0.00031%); highest among the groups gnomAD compares: Middle Eastern, 0.016%; no homozygotes.

Submissions (4):

GeneDx
Classification: Uncertain significance. Last evaluated: 2025-06-26. Review status: criteria provided, single submitter. Criteria: GeneDx Variant Classification Process June 2021. Collection method: clinical testing. Allele origin: germline. Affected: yes.
Comment: Not observed at significant frequency in large population cohorts (gnomAD); In silico analysis suggests that this missense variant does not alter protein structure/function; Has not been previously published as pathogenic or benign to our knowledge

Labcorp Genetics (formerly Invitae), Labcorp
Classification: Uncertain significance. Last evaluated: 2025-04-10. Review status: criteria provided, single submitter. Criteria: Invitae Variant Classification Sherloc (09022015). Collection method: clinical testing. Allele origin: germline.
Comment: This sequence change replaces asparagine, which is neutral and polar, with histidine, which is basic and polar, at codon 443 of the USH2A protein (p.Asn443His). This variant is present in population databases (rs775075026, gnomAD 0.002%). This variant has not been reported in the literature in individuals affected with USH2A-related conditions. ClinVar contains an entry for this variant (Variation ID: 991455). An algorithm developed to predict the effect of missense changes on protein structure and function (PolyPhen-2) suggests that this variant is likely to be disruptive. Algorithms developed to predict the effect of sequence changes on RNA splicing suggest that this variant may disrupt the consensus splice site. In summary, the available evidence is currently insufficient to determine the role of this variant in disease. Therefore, it has been classified as a Variant of Uncertain Significance.

Blueprint Genetics
Classification: Uncertain significance. Last evaluated: 2024-05-21. Review status: criteria provided, single submitter. Criteria: ACMG Guidelines, 2015. Collection method: clinical testing. Allele origin: germline.

Natera, Inc.
Classification: Uncertain significance for Usher syndrome type 2A. Last evaluated: 2020-08-16. Review status: no assertion criteria provided. Collection method: clinical testing. Allele origin: germline. Not counted in ClinVar's aggregate classification.